The following is an entry in ClinVar:

ClinVar aggregate classification (germline): Uncertain significance (1 of 4 stars; one submission).

Allele frequency attached by ClinVar (database versions not stated): TOPMed below 0.00001; gnomAD 0.00001.
gnomAD v4.1: 1 of 1,613,282 alleles (0.000062%); highest among the groups gnomAD compares: Non-Finnish European, 0.000085%; no homozygotes.

Submission:

Labcorp Genetics (formerly Invitae), Labcorp
Classification: Uncertain significance. Last evaluated: 2023-04-22. Review status: criteria provided, single submitter. Criteria: Invitae Variant Classification Sherloc (09022015). Collection method: clinical testing. Allele origin: germline.
Comment: In summary, the available evidence is currently insufficient to determine the role of this variant in disease. Therefore, it has been classified as a Variant of Uncertain Significance. Advanced modeling of protein sequence and biophysical properties (such as structural, functional, and spatial information, amino acid conservation, physicochemical variation, residue mobility, and thermodynamic stability) performed at Invitae indicates that this missense variant is not expected to disrupt INTU protein function. ClinVar contains an entry for this variant (Variation ID: 1932579). This variant has not been reported in the literature in individuals affected with INTU-related conditions. This variant is not present in population databases (gnomAD no frequency). This sequence change replaces valine, which is neutral and non-polar, with leucine, which is neutral and non-polar, at codon 881 of the INTU protein (p.Val881Leu).

NM_015693.4(INTU):c.2641G>T (p.Val881Leu)

Gene: INTU (inturned planar cell polarity protein; plus strand). Cytogenetic location: 4q28.1.
Variant type: single nucleotide variant.
Coding change: c.2641G>T on transcript NM_015693.4 (MANE Select); coding-DNA position 2641, G replaced by T.
Protein change: p.Val881Leu; replaces valine 881 with leucine.
Molecular consequence: missense variant.
Genome position (GRCh38, 1-based): chr4:127,714,017, G>T. VCF-style: chr4-127714017-G-T. GRCh37 (hg19) VCF-style: chr4-128635172-G-T.
Other names: short protein forms V881L.
Identifiers: ClinVar variation 1932579 (VCV001932579.5), dbSNP rs967082313, ClinGen allele CA105644675.